The following is an entry in ClinVar:

NM_004304.5(ALK):c.3403G>T (p.Val1135Leu)

Gene: ALK (ALK receptor tyrosine kinase; minus strand). Cytogenetic location: 2p23.2.
Variant type: single nucleotide variant.
Coding change: c.3403G>T on transcript NM_004304.5 (MANE Select); coding-DNA position 3403, G replaced by T.
Protein change: p.Val1135Leu; replaces valine 1135 with leucine.
Molecular consequence: missense variant.
Genome position (GRCh38, 1-based): chr2:29,222,564, C>A on the plus strand (G>T on the coding strand, the complement: ALK is on the minus strand). VCF-style: chr2-29222564-C-A. GRCh37 (hg19) VCF-style: chr2-29445430-C-A.
Other names: c.3403G>T (NM_004304.4); c.199G>T, p.Val67Leu (NM_001353765.2); short protein forms V67L, V1135L.
Identifiers: ClinVar variation 1359955 (VCV001359955.9), dbSNP rs2148169270, ClinGen allele CA346463944.

ClinVar aggregate classification (germline): Uncertain significance. Review status: criteria provided, multiple submitters, no conflicts (2 of 4 stars). 2 submissions from 2 submitters: Uncertain significance (2). Last evaluated 2023-12-01.

Conditions:
Hereditary cancer-predisposing syndrome. Also called: Hereditary Cancer Syndrome; Hereditary neoplastic syndrome; Tumor predisposition; Neoplastic Syndromes, Hereditary. Identifiers: Orphanet 140162, MedGen C0027672, MeSH D009386, MONDO:0015356.
Neuroblastoma, susceptibility to, 3. Also called: ALK-Related Neuroblastic Tumor Susceptibility. Identifiers: Orphanet 635, MedGen C2751681, MONDO:0013083, OMIM 613014.

gnomAD v4.1: 1 of 1,614,106 alleles (0.000062%); no homozygotes.

Submissions (2):

Ambry Genetics
Classification: Uncertain significance for Hereditary cancer-predisposing syndrome. Last evaluated: 2023-12-01. Review status: criteria provided, single submitter. Criteria: Ambry Variant Classification Scheme 2023. Collection method: clinical testing. Allele origin: germline.
Comment: The p.V1135L variant (also known as c.3403G>T), located in coding exon 21 of the ALK gene, results from a G to T substitution at nucleotide position 3403. The valine at codon 1135 is replaced by leucine, an amino acid with highly similar properties. This amino acid position is conserved. In addition, the in silico prediction for this alteration is inconclusive. Since supporting evidence is limited at this time, the clinical significance of this alteration remains unclear.

Labcorp Genetics (formerly Invitae), Labcorp
Classification: Uncertain significance for Neuroblastoma, susceptibility to, 3. Last evaluated: 2021-06-08. Review status: criteria provided, single submitter. Criteria: Invitae Variant Classification Sherloc (09022015). Collection method: clinical testing. Allele origin: germline.
Comment: This sequence change replaces valine with leucine at codon 1135 of the ALK protein (p.Val1135Leu). The valine residue is highly conserved and there is a small physicochemical difference between valine and leucine. In summary, the available evidence is currently insufficient to determine the role of this variant in disease. Therefore, it has been classified as a Variant of Uncertain Significance. This variant is not present in population databases (ExAC no frequency). This variant has not been reported in the literature in individuals with ALK-related conditions. Algorithms developed to predict the effect of missense changes on protein structure and function (SIFT, PolyPhen-2, Align-GVGD) all suggest that this variant is likely to be disruptive, but these predictions have not been confirmed by published functional studies and their clinical significance is uncertain.